The following is an entry in ClinVar:

ClinVar aggregate classification (germline): Benign. Review status: criteria provided, multiple submitters, no conflicts (2 of 4 stars). 3 submissions from 3 submitters: Benign (2). 1 of the submissions does not count toward it. Last evaluated 2018-11-12.

Allele frequency attached by ClinVar (database versions not stated): 1000 Genomes Project 0.36921; 1000 Genomes Project 30x 0.37477; TOPMed 0.45962; gnomAD 0.46870 and 0.47333; ESP Exome Variant Server 0.48312; ExAC 0.49107; gnomAD exomes 0.49577.
gnomAD v4.1: 854,089 of 1,613,716 alleles (53%); highest among the groups gnomAD compares: Non-Finnish European, 56%; 232,313 homozygotes.

Submissions (3):

GeneDx
Classification: Benign. Last evaluated: 2018-11-12. Review status: criteria provided, single submitter. Criteria: GeneDx Variant Classification Process June 2021. Collection method: clinical testing. Allele origin: germline. Affected: yes.

Breakthrough Genomics
Classification: Benign. Review status: criteria provided, single submitter. Criteria: ACMG Guidelines, 2015. Collection method: not provided. Allele origin: germline. Inheritance: Unknown mechanism. Affected: yes.

Genetic Services Laboratory, University of Chicago
Classification: Likely benign for AllHighlyPenetrant. Review status: no assertion criteria provided. Collection method: clinical testing. Allele origin: germline. Inheritance: Autosomal dominant inheritance. Not counted in ClinVar's aggregate classification.
Comment: Likely benign based on allele frequency in 1000 Genomes Project or ESP global frequency and its presence in a patient with a rare or unrelated disease phenotype. NOT Sanger confirmed.

NM_014832.5(TBC1D4):c.2901C>T (p.Leu967=)

Gene: TBC1D4 (TBC1 domain family member 4; minus strand). Cytogenetic location: 13q22.2.
Variant type: single nucleotide variant.
Coding change: c.2901C>T on transcript NM_014832.5 (MANE Select); coding-DNA position 2901, C replaced by T.
Protein change: p.Leu967=; no amino-acid change (leucine 967 retained).
Molecular consequence: synonymous variant.
Genome position (GRCh38, 1-based): chr13:75,302,253, G>A on the plus strand (C>T on the coding strand, the complement: TBC1D4 is on the minus strand). VCF-style: chr13-75302253-G-A. GRCh37 (hg19) VCF-style: chr13-75876389-G-A.
Other names: c.2877C>T, p.Leu959= (NM_001286658.2); c.2712C>T, p.Leu904= (NM_001286659.2).
Identifiers: ClinVar variation 130550 (VCV000130550.8), dbSNP rs2297208, ClinGen allele CA214717.